The following is an entry in ClinVar:

NM_004304.5(ALK):c.2524G>T (p.Ala842Ser)

Gene: ALK (ALK receptor tyrosine kinase; minus strand). Cytogenetic location: 2p23.2.
Variant type: single nucleotide variant.
Coding change: c.2524G>T on transcript NM_004304.5 (MANE Select); coding-DNA position 2524, G replaced by T.
Protein change: p.Ala842Ser; replaces alanine 842 with serine.
Molecular consequence: missense variant.
Genome position (GRCh38, 1-based): chr2:29,232,412, C>A on the plus strand (G>T on the coding strand, the complement: ALK is on the minus strand). VCF-style: chr2-29232412-C-A. GRCh37 (hg19) VCF-style: chr2-29455278-C-A.
Other names: short protein forms A842S.
Identifiers: ClinVar variation 3223838 (VCV003223838.1), dbSNP rs773000306, ClinGen allele CA346471950.

ClinVar aggregate classification (germline): Uncertain significance (1 of 4 stars; one submission).

Conditions:
Hereditary cancer-predisposing syndrome. Also called: Tumor predisposition; Hereditary neoplastic syndrome; Hereditary Cancer Syndrome; Neoplastic Syndromes, Hereditary. Identifiers: Orphanet 140162, MedGen C0027672, MeSH D009386, MONDO:0015356.

Submission:

Ambry Genetics
Classification: Uncertain significance for Hereditary cancer-predisposing syndrome. Last evaluated: 2024-01-31. Review status: criteria provided, single submitter. Criteria: Ambry Variant Classification Scheme 2023. Collection method: clinical testing. Allele origin: germline.
Comment: The p.A842S variant (also known as c.2524G>T), located in coding exon 15 of the ALK gene, results from a G to T substitution at nucleotide position 2524. The alanine at codon 842 is replaced by serine, an amino acid with similar properties. This amino acid position is conserved. In addition, this alteration is predicted to be tolerated by in silico analysis. Based on the available evidence, the clinical significance of this alteration remains unclear.